The following is an entry in ClinVar:

ClinVar aggregate classification (germline): Uncertain significance (1 of 4 stars; one submission).

Conditions:
Inborn genetic diseases. Identifiers: MedGen C0950123, MeSH D030342.

Submission:

Ambry Genetics
Classification: Uncertain significance for Inborn genetic diseases. Last evaluated: 2025-01-31. Review status: criteria provided, single submitter. Criteria: Ambry Variant Classification Scheme 2023. Collection method: clinical testing. Allele origin: germline.
Comment: The p.L37R variant (also known as c.110T>G), located in coding exon 2 of the FANCG gene, results from a T to G substitution at nucleotide position 110. The leucine at codon 37 is replaced by arginine, an amino acid with dissimilar properties. This amino acid position is conserved. In addition, this alteration is predicted to be tolerated by in silico analysis. Based on the available evidence, the clinical significance of this variant remains unclear.

NM_004629.2(FANCG):c.110T>G (p.Leu37Arg)

Gene: FANCG (FA complementation group G; minus strand). Cytogenetic location: 9p13.3.
Variant type: single nucleotide variant.
Coding change: c.110T>G on transcript NM_004629.2 (MANE Select); coding-DNA position 110, T replaced by G.
Protein change: p.Leu37Arg; replaces leucine 37 with arginine.
Molecular consequence: missense variant.
Genome position (GRCh38, 1-based): chr9:35,079,216, A>C on the plus strand (T>G on the coding strand, the complement: FANCG is on the minus strand). VCF-style: chr9-35079216-A-C. GRCh37 (hg19) VCF-style: chr9-35079213-A-C.
Other names: short protein forms L37R.
Identifiers: ClinVar variation 3848423 (VCV003848423.1).